The following is an entry in ClinVar:

ClinVar aggregate classification (germline): Uncertain significance (1 of 4 stars; one submission).

Conditions:
Hereditary cancer-predisposing syndrome. Also called: Neoplastic Syndromes, Hereditary; Tumor predisposition; Hereditary Cancer Syndrome; Hereditary neoplastic syndrome. Identifiers: Orphanet 140162, MedGen C0027672, MeSH D009386, MONDO:0015356.

Submission:

Color Diagnostics, LLC DBA Color Health
Classification: Uncertain significance for Hereditary cancer-predisposing syndrome. Last evaluated: 2024-03-06. Review status: criteria provided, single submitter. Criteria: ACMG Guidelines, 2015. Collection method: clinical testing. Allele origin: germline.
Comment: This missense variant replaces serine with threonine at codon 874 of the APC protein. Computational prediction suggests that this variant may not impact protein structure and function (internally defined REVEL score threshold <= 0.5, PMID: 27666373). Splice site prediction tools suggest that this variant may not impact RNA splicing. To our knowledge, functional studies have not been performed for this variant. This variant has not been reported in individuals affected with hereditary cancer in the literature. This variant has not been identified in the general population by the Genome Aggregation Database (gnomAD). The available evidence is insufficient to determine the role of this variant in disease conclusively. Therefore, this variant is classified as a Variant of Uncertain Significance.

NM_000038.6(APC):c.2620T>A (p.Ser874Thr)

Gene: APC (APC regulator of Wnt signaling pathway; plus strand). Cytogenetic location: 5q22.2.
Variant type: single nucleotide variant.
Coding change: c.2620T>A on transcript NM_000038.6 (MANE Select); coding-DNA position 2620, T replaced by A.
Protein change: p.Ser874Thr; replaces serine 874 with threonine.
Molecular consequence: missense variant.
Genome position (GRCh38, 1-based): chr5:112,838,214, T>A. VCF-style: chr5-112838214-T-A. GRCh37 (hg19) VCF-style: chr5-112173911-T-A.
Other names: c.2620T>A, p.Ser874Thr (NM_001127510.3, NM_001354895.2); c.2566T>A, p.Ser856Thr (NM_001127511.3); c.2674T>A, p.Ser892Thr (NM_001354896.2); c.2650T>A, p.Ser884Thr (NM_001354897.2); c.2545T>A, p.Ser849Thr (NM_001354898.2); c.2536T>A, p.Ser846Thr (NM_001354899.2); c.2497T>A, p.Ser833Thr (NM_001354900.2); c.2443T>A, p.Ser815Thr (NM_001354901.2); and 5 more; short protein forms S591T, S714T, S874T, S815T, S846T, S849T, S856T, S892T.
Identifiers: ClinVar variation 919075 (VCV000919075.4), dbSNP rs1765225018, ClinGen allele CA16027063.